The following is an entry in ClinVar:

ClinVar aggregate classification (germline): Conflicting classifications of pathogenicity. Review status: criteria provided, conflicting classifications (1 of 4 stars). 2 submissions from 2 submitters: Likely pathogenic (1); Uncertain significance (1). Last evaluated 2025-06-24.

Conditions:
Inborn genetic diseases. Identifiers: MedGen C0950123, MeSH D030342.
Neurodevelopmental disorder with microcephaly and speech delay, with or without brain abnormalities (NEDMSBA). Identifiers: MedGen C5830413, MONDO:0957218, OMIM 620317.

gnomAD v4.1: 29 of 1,613,114 alleles (0.0018%); highest among the groups gnomAD compares: Non-Finnish European, 0.0022%; no homozygotes.

Submissions (2):

Ambry Genetics
Classification: Uncertain significance for Inborn genetic diseases. Last evaluated: 2025-06-24. Review status: criteria provided, single submitter. Criteria: Ambry Variant Classification Scheme 2023. Collection method: clinical testing. Allele origin: germline.

3billion
Classification: Likely pathogenic for Neurodevelopmental disorder with microcephaly and speech delay, with or without brain abnormalities. Last evaluated: 2025-02-21. Review status: criteria provided, single submitter. Criteria: ACMG Guidelines, 2015. Collection method: clinical testing. Allele origin: germline. Affected: yes.
Comment: The variant is observed at an extremely low frequency in the gnomAD v4.1.0 dataset (total allele frequency: 0.002%). Predicted Consequence/Location: Missense variant. Missense changes are a common disease-causing mechanism. In silico tool predictions suggest damaging effect of the variant on gene or gene product [3Cnet: 0.78 (>=0.6, sensitivity 0.72 and precision 0.9)]. Therefore, this variant is classified as Likely pathogenic according to the recommendation of ACMG/AMP guideline.

NM_004184.4(WARS1):c.982G>A (p.Gly328Ser)

Gene: WARS1 (tryptophanyl-tRNA synthetase 1; minus strand). Cytogenetic location: 14q32.2.
Variant type: single nucleotide variant.
Coding change: c.982G>A on transcript NM_004184.4 (MANE Select); coding-DNA position 982, G replaced by A.
Protein change: p.Gly328Ser; replaces glycine 328 with serine.
Molecular consequence: missense variant.
Genome position (GRCh38, 1-based): chr14:100,342,529, C>T on the plus strand (G>A on the coding strand, the complement: WARS1 is on the minus strand). VCF-style: chr14-100342529-C-T. GRCh37 (hg19) VCF-style: chr14-100808866-C-T.
Other names: c.982G>A, p.Gly328Ser (NM_173701.2); c.859G>A, p.Gly287Ser (NM_213645.2, NM_213646.2); short protein forms G287S, G328S.
Identifiers: ClinVar variation 4200069 (VCV004200069.2).
Genomic context (GRCh38, chr14:100,342,529, plus strand): 5'-TCTGGGCGCCCTGCAGGGCTGGGAAGAAGGTGGAGTGCAGCAGGGCTGGTTTAGGATAGC[C>T]GATCCTGGGGGCGACGTCCCTTGTCATTCTAAAGTAAGGATCCTGTGGGGAGAGTAAGGA-3'
Protein context (NP_004175.2, residues 318-338): RMTRDVAPRI[Gly328Ser]YPKPALLHST